The following is an entry in ClinVar:

ClinVar aggregate classification (germline): Conflicting classifications of pathogenicity. Review status: criteria provided, conflicting classifications (1 of 4 stars). 2 submissions from 2 submitters: Uncertain significance (1); Likely benign (1). Last evaluated 2025-09-14.

Conditions:
Cardiovascular phenotype. Identifiers: MedGen CN230736.
Hypertrophic cardiomyopathy 14. Identifiers: MedGen C2750467, MONDO:0013197, OMIM 613251.

Allele frequency attached by ClinVar (database versions not stated): TOPMed below 0.00001; gnomAD 0.00001; gnomAD exomes 0.00001; ExAC 0.00007.
gnomAD v4.1: 9 of 1,614,026 alleles (0.00056%); highest among the groups gnomAD compares: East Asian, 0.02%; no homozygotes.

Submissions (2):

Labcorp Genetics (formerly Invitae), Labcorp
Classification: Likely benign for Hypertrophic cardiomyopathy 14. Last evaluated: 2025-09-14. Review status: criteria provided, single submitter. Criteria: Invitae Variant Classification Sherloc (09022015). Collection method: clinical testing. Allele origin: germline.

Ambry Genetics
Classification: Uncertain significance for Cardiovascular phenotype. Last evaluated: 2020-11-18. Review status: criteria provided, single submitter. Criteria: Ambry Variant Classification Scheme 2023. Collection method: clinical testing. Allele origin: germline.
Comment: The c.2686-5C>T intronic variant results from a C to T substitution 5 nucleotides upstream from coding exon 20 in the MYH6 gene. This nucleotide position is not well conserved in available vertebrate species. In silico splice site analysis predicts that this alteration will not have any significant effect on splicing. Since supporting evidence is limited at this time, the clinical significance of this alteration remains unclear.

NM_002471.4(MYH6):c.2686-5C>T

Gene: MYH6 (myosin heavy chain 6; minus strand). Cytogenetic location: 14q11.2.
Variant type: single nucleotide variant.
Coding change: c.2686-5C>T on transcript NM_002471.4 (MANE Select); 5 bases into the intron before coding-DNA position 2686, C replaced by T.
Molecular consequence: intron variant.
Genome position (GRCh38, 1-based): chr14:23,393,913, G>A on the plus strand (C>T on the coding strand, the complement: MYH6 is on the minus strand). VCF-style: chr14-23393913-G-A. GRCh37 (hg19) VCF-style: chr14-23863122-G-A.
Identifiers: ClinVar variation 1794723 (VCV001794723.3), dbSNP rs765312755, ClinGen allele CA7115389.
Genomic context (GRCh38, chr14:23,393,913, plus strand): 5'-TTGTTTTTGATCAGCTGGTCGCAGCGCTCCTCAGCATCATTGAGGTTGTCTTGTTCCTGG[G>A]AGAAGAGAACAGGGAGGAAGCTGATGGTTAAAGAGAGGAGACCTAGGGTCTTAAAAAGAG-3'